The following is an entry in ClinVar:

ClinVar aggregate classification (germline): Uncertain significance (1 of 4 stars; one submission).

Conditions:
Lymphedema-posterior choanal atresia syndrome. Identifiers: Orphanet 99141, MedGen C3150875, MONDO:0013324, OMIM 613611.

Allele frequency attached by ClinVar (database versions not stated): gnomAD 0.00001; TOPMed 0.00003; ExAC 0.00004; gnomAD exomes 0.00004.
gnomAD v4.1: 27 of 1,614,064 alleles (0.0017%); highest among the groups gnomAD compares: Admixed American, 0.04%; no homozygotes.

Submission:

Clinical Genomics Laboratory, Washington University in St. Louis
Classification: Uncertain significance for Lymphedema-posterior choanal atresia syndrome. Last evaluated: 2023-08-20. Review status: criteria provided, single submitter. Criteria: ACMG Guidelines, 2015. Collection method: clinical testing. Allele origin: germline.
Comment: The PTPN14 c.1574C>T (p.Pro525Leu) variant was identified at a near heterozygous allelic fraction. This variant, to our knowledge, has not been reported in the medical literature. This variant has been reported in one case in the cancer database COSMIC (Genomic Mutation ID: COSV652). This variant is only observed on 2/152174 alleles in the general population (gnomAD v.2.1.1), indicating it is not a common variant. Computational predictors suggest that the variant does not impact PTPN14 function. Due to limited information and based on ACMG/AMP guidelines for variant interpretation (Richards S et al., PMID: 25741868), the clinical significance of this variant is uncertain at this time.

NM_005401.5(PTPN14):c.1574C>T (p.Pro525Leu)

Gene: PTPN14 (protein tyrosine phosphatase non-receptor type 14; minus strand). Cytogenetic location: 1q32.3.
Variant type: single nucleotide variant.
Coding change: c.1574C>T on transcript NM_005401.5 (MANE Select); coding-DNA position 1574, C replaced by T.
Protein change: p.Pro525Leu; replaces proline 525 with leucine.
Molecular consequence: missense variant.
Genome position (GRCh38, 1-based): chr1:214,384,281, G>A on the plus strand (C>T on the coding strand, the complement: PTPN14 is on the minus strand). VCF-style: chr1-214384281-G-A. GRCh37 (hg19) VCF-style: chr1-214557624-G-A.
Other names: short protein forms P525L.
Identifiers: ClinVar variation 2672216 (VCV002672216.1), dbSNP rs767967885, ClinGen allele CA1389082.